The following is an entry in ClinVar:

NM_001035.3(RYR2):c.13426C>T (p.Pro4476Ser)

Gene: RYR2 (ryanodine receptor 2; plus strand). Cytogenetic location: 1q43.
Variant type: single nucleotide variant.
Coding change: c.13426C>T on transcript NM_001035.3 (MANE Select); coding-DNA position 13426, C replaced by T.
Protein change: p.Pro4476Ser; replaces proline 4476 with serine.
Molecular consequence: missense variant.
Genome position (GRCh38, 1-based): chr1:237,788,085, C>T. VCF-style: chr1-237788085-C-T. GRCh37 (hg19) VCF-style: chr1-237951385-C-T.
Other names: short protein forms P4476S.
Identifiers: ClinVar variation 859492 (VCV000859492.14), dbSNP rs1277251368, ClinGen allele CA345416568.

ClinVar aggregate classification (germline): Uncertain significance. Review status: criteria provided, multiple submitters, no conflicts (2 of 4 stars). 3 submissions from 3 submitters: Uncertain significance (3). Last evaluated 2024-05-30.

Conditions:
Catecholaminergic polymorphic ventricular tachycardia (CVPT). Also called: Catecholamine-induced polymorphic ventricular tachycardia. Identifiers: Orphanet 3286, MedGen C5574922, MONDO:0017990.
Catecholaminergic polymorphic ventricular tachycardia 1. Also called: VENTRICULAR TACHYCARDIA, CATECHOLAMINERGIC POLYMORPHIC, 1, WITH OR WITHOUT ATRIAL DYSFUNCTION AND/OR DILATED CARDIOMYOPATHY; VENTRICULAR TACHYCARDIA, STRESS-INDUCED POLYMORPHIC 1; RYR2-Related Catecholaminergic Polymorphic Ventricular Tachycardia. Identifiers: Orphanet 3286, MedGen C1631597, MONDO:0011484, OMIM 604772.
Cardiovascular phenotype. Identifiers: MedGen CN230736.

Allele frequency attached by ClinVar (database versions not stated): gnomAD exomes below 0.00001.
gnomAD v4.1: 2 of 1,611,990 alleles (0.00012%); highest among the groups gnomAD compares: African/African-American, 0.0013%; no homozygotes.

Submissions (3):

All of Us Research Program, National Institutes of Health
Classification: Uncertain significance for Catecholaminergic polymorphic ventricular tachycardia. Last evaluated: 2024-05-30. Review status: criteria provided, single submitter. Criteria: ACMG Guidelines, 2015. Collection method: clinical testing. Allele origin: germline. Inheritance: Autosomal dominant inheritance. Observed: 1 variant allele, 1 heterozygote.
Comment: This missense variant replaces proline with serine at codon 4476 of the RYR2 protein. Computational prediction suggests that this variant may not impact protein structure and function (internally defined REVEL score threshold <= 0.5, PMID: 27666373). To our knowledge, functional studies have not been reported for this variant. This variant has not been reported in individuals affected with RYR2-related disorders in the literature. This variant has been identified in 1/246416 chromosomes in the general population by the Genome Aggregation Database (gnomAD). The available evidence is insufficient to determine the role of this variant in disease conclusively. Therefore, this variant is classified as a Variant of Uncertain Significance.

This study involves interpretation of variants in research participants for the purpose of population health screening. Participant phenotype was not available at the time of variant classification. Additional details can be found in publication PMID: 35346344, PMCID: PMC8962531

Labcorp Genetics (formerly Invitae), Labcorp
Classification: Uncertain significance for Catecholaminergic polymorphic ventricular tachycardia 1. Last evaluated: 2022-07-25. Review status: criteria provided, single submitter. Criteria: Invitae Variant Classification Sherloc (09022015). Collection method: clinical testing. Allele origin: germline.
Comment: In summary, the available evidence is currently insufficient to determine the role of this variant in disease. Therefore, it has been classified as a Variant of Uncertain Significance. Advanced modeling of protein sequence and biophysical properties (such as structural, functional, and spatial information, amino acid conservation, physicochemical variation, residue mobility, and thermodynamic stability) performed at Invitae indicates that this missense variant is not expected to disrupt RYR2 protein function. ClinVar contains an entry for this variant (Variation ID: 859492). This variant has not been reported in the literature in individuals affected with RYR2-related conditions. The frequency data for this variant in the population databases is considered unreliable, as metrics indicate poor data quality at this position in the gnomAD database. This sequence change replaces proline, which is neutral and non-polar, with serine, which is neutral and polar, at codon 4476 of the RYR2 protein (p.Pro4476Ser).

Ambry Genetics
Classification: Uncertain significance for Cardiovascular phenotype. Last evaluated: 2022-05-05. Review status: criteria provided, single submitter. Criteria: Ambry Variant Classification Scheme 2023. Collection method: clinical testing. Allele origin: germline.
Comment: The p.P4476S variant (also known as c.13426C>T), located in coding exon 92 of the RYR2 gene, results from a C to T substitution at nucleotide position 13426. The proline at codon 4476 is replaced by serine, an amino acid with similar properties. This amino acid position is not well conserved in available vertebrate species. In addition, the in silico prediction for this alteration is inconclusive. Since supporting evidence is limited at this time, the clinical significance of this alteration remains unclear.